The following is an entry in ClinVar:

ClinVar aggregate classification (germline): Likely pathogenic (1 of 4 stars; one submission).

Conditions:
Wiedemann-Steiner syndrome (WDSTS). Also called: Growth deficiency and mental retardation with facial dysmorphism. Identifiers: Orphanet 319182, MedGen C1854630, MONDO:0011518, OMIM 605130.

Submission:

Institute of Human Genetics, Clinical Exome/Genome Diagnostics Group, University Hospital Bonn
Classification: Likely pathogenic for Wiedemann-Steiner syndrome. Last evaluated: 2021-03-23. Review status: criteria provided, single submitter. Criteria: ACMG Guidelines, 2015. Collection method: clinical testing. Allele origin: germline. Affected: yes.
Comment: PVS1, PM2

NM_001197104.2(KMT2A):c.69del (p.Arg24fs)

Gene: KMT2A (lysine methyltransferase 2A; plus strand). Cytogenetic location: 11q23.3.
Variant type: Deletion.
Coding change: c.69del on transcript NM_001197104.2 (MANE Select); coding-DNA position 69, one base deleted (G; older notation c.69delG).
Protein change: p.Arg24fs; shifts the reading frame from arginine 24.
Molecular consequence: frameshift variant.
Genome position (GRCh38, 1-based): chr11:118,436,581, G deleted; the last of 6 consecutive G bases (chr11:118,436,576-118,436,581); deleting any one gives the same sequence. VCF-style (leftmost placement, unchanged base first): chr11-118436575-CG-C. GRCh37 (hg19) VCF-style: chr11-118307290-CG-C.
Other names: c.69del, p.Arg24fs (NM_005933.4); short protein forms R24fs.
Identifiers: ClinVar variation 1343266 (VCV001343266.1), dbSNP rs2134152310, ClinGen allele CA2573053431.